The following is an entry in ClinVar:

ClinVar aggregate classification (germline): Uncertain significance. Review status: criteria provided, multiple submitters, no conflicts (2 of 4 stars). 2 submissions from 2 submitters: Uncertain significance (2). Last evaluated 2025-07-02.

Conditions:
Progressive myoclonic epilepsy type 5. Identifiers: Orphanet 402082, MedGen C5190799.

Allele frequency attached by ClinVar (database versions not stated): gnomAD exomes below 0.00001.
gnomAD v4.1: 1 of 1,614,250 alleles (0.000062%); highest among the groups gnomAD compares: Admixed American, 0.0017%; no homozygotes.

Submissions (2):

Women's Health and Genetics/Laboratory Corporation of America, LabCorp
Classification: Uncertain significance. Last evaluated: 2025-07-02. Review status: criteria provided, single submitter. Criteria: LabCorp Variant Classification Summary - May 2015. Collection method: clinical testing. Allele origin: germline.
Comment: Variant summary: PRICKLE2 c.983A>G (p.Asn328Ser) results in a conservative amino acid change in the encoded protein sequence. Algorithms developed to predict the effect of missense changes on protein structure and function are either unavailable or do not agree on the potential impact of this missense change. The variant was absent in 250460 control chromosomes. The available data on variant occurrences in the general population are insufficient to allow any conclusion about variant significance. To our knowledge, no occurrence of c.983A>G in individuals affected with PRICKLE2-Related Disorders and no experimental evidence demonstrating its impact on protein function have been reported. ClinVar contains an entry for this variant (Variation ID: 1417630). Based on the evidence outlined above, the variant was classified as uncertain significance.

Labcorp Genetics (formerly Invitae), Labcorp
Classification: Uncertain significance for Progressive myoclonic epilepsy type 5. Last evaluated: 2021-11-28. Review status: criteria provided, single submitter. Criteria: Invitae Variant Classification Sherloc (09022015). Collection method: clinical testing. Allele origin: germline.
Comment: This sequence change replaces asparagine, which is neutral and polar, with serine, which is neutral and polar, at codon 328 of the PRICKLE2 protein (p.Asn328Ser). This variant is not present in population databases (gnomAD no frequency). This variant has not been reported in the literature in individuals affected with PRICKLE2-related conditions. Algorithms developed to predict the effect of missense changes on protein structure and function (SIFT, PolyPhen-2, Align-GVGD) all suggest that this variant is likely to be tolerated. In summary, the available evidence is currently insufficient to determine the role of this variant in disease. Therefore, it has been classified as a Variant of Uncertain Significance.

NM_198859.4(PRICKLE2):c.983A>G (p.Asn328Ser)

Gene: PRICKLE2 (prickle planar cell polarity protein 2; minus strand). Cytogenetic location: 3p14.1.
Variant type: single nucleotide variant.
Coding change: c.983A>G on transcript NM_198859.4 (MANE Select); coding-DNA position 983, A replaced by G.
Protein change: p.Asn328Ser; replaces asparagine 328 with serine.
Molecular consequence: missense variant.
Genome position (GRCh38, 1-based): chr3:64,147,507, T>C on the plus strand (A>G on the coding strand, the complement: PRICKLE2 is on the minus strand). VCF-style: chr3-64147507-T-C. GRCh37 (hg19) VCF-style: chr3-64133183-T-C.
Other names: c.983A>G, p.Asn328Ser (NM_001370528.1); short protein forms N328S.
Identifiers: ClinVar variation 1417630 (VCV001417630.8), dbSNP rs2107016123, ClinGen allele CA353431990.